The following is an entry in ClinVar:

NM_001379500.1(COL18A1):c.1834G>C (p.Asp612His)

Gene: COL18A1 (collagen type XVIII alpha 1 chain; plus strand). Cytogenetic location: 21q22.3.
Variant type: single nucleotide variant.
Coding change: c.1834G>C on transcript NM_001379500.1 (MANE Select); coding-DNA position 1834, G replaced by C.
Protein change: p.Asp612His; replaces aspartic acid 612 with histidine.
Molecular consequence: missense variant.
Genome position (GRCh38, 1-based): chr21:45,487,447, G>C. VCF-style: chr21-45487447-G-C. GRCh37 (hg19) VCF-style: chr21-46907361-G-C.
Other names: c.2374G>C, p.Asp792His (NM_030582.4); c.3079G>C, p.Asp1027His (NM_130444.3); short protein forms D792H, D1027H, D612H.
Identifiers: ClinVar variation 2045515 (VCV002045515.4), dbSNP rs2517661399, ClinGen allele CA410496411.

ClinVar aggregate classification (germline): Uncertain significance (1 of 4 stars; one submission).

Submission:

Labcorp Genetics (formerly Invitae), Labcorp
Classification: Uncertain significance. Last evaluated: 2021-12-17. Review status: criteria provided, single submitter. Criteria: Invitae Variant Classification Sherloc (09022015). Collection method: clinical testing. Allele origin: germline.
Comment: In summary, the available evidence is currently insufficient to determine the role of this variant in disease. Therefore, it has been classified as a Variant of Uncertain Significance. Experimental studies and prediction algorithms are not available or were not evaluated, and the functional significance of this variant is currently unknown. This variant has not been reported in the literature in individuals affected with COL18A1-related conditions. This variant is not present in population databases (gnomAD no frequency). This sequence change replaces aspartic acid, which is acidic and polar, with histidine, which is basic and polar, at codon 612 of the COL18A1 protein (p.Asp612His).